The following is an entry in ClinVar:

NM_001267550.2(TTN):c.59344G>C (p.Glu19782Gln)

Genes: TTN (titin; minus strand), TTN-AS1 (TTN antisense RNA 1; plus strand), LOC126806424 (CDK7 strongly-dependent group 2 enhancer GRCh37_chr2:179456337-179457536; plus strand). Cytogenetic location: 2q31.2.
Variant type: single nucleotide variant.
Coding change: c.59344G>C on transcript NM_001267550.2 (MANE Select); coding-DNA position 59344, G replaced by C.
Protein change: p.Glu19782Gln; replaces glutamic acid 19782 with glutamine.
Molecular consequence: missense variant.
Genome position (GRCh38, 1-based): chr2:178,592,775, C>G on the plus strand (G>C on the coding strand, the complement: TTN is on the minus strand). VCF-style: chr2-178592775-C-G. GRCh37 (hg19) VCF-style: chr2-179457502-C-G.
Other names: c.54421G>C, p.Glu18141Gln (NM_001256850.1); c.32149G>C, p.Glu10717Gln (NM_003319.4); c.51640G>C, p.Glu17214Gln (NM_133378.4); c.32524G>C, p.Glu10842Gln (NM_133432.3); c.32725G>C, p.Glu10909Gln (NM_133437.4); short protein forms E10909Q, E17214Q, E18141Q, E19782Q, E10842Q, E10717Q.
Identifiers: ClinVar variation 2941924 (VCV002941924.3), dbSNP rs2469548975, ClinGen allele CA349494145.
Genomic context (GRCh38, chr2:178,592,775, plus strand): 5'-AAACACATACAATCAGACATCTATTTTCCTTGCAAACACAAGTGAGAGCATTTTACTCAC[C>G]AAGCCTGTCTTTTACTAGGACTGGCTCCGGAACATGAGCTGGATCTGATTCACCAGCTGC-3'
Protein context (NP_001254479.2, residues 19772-19792): PEPVLVKDRL[Glu19782Gln]PPELILDANM

ClinVar aggregate classification (germline): Uncertain significance (1 of 4 stars; one submission).

Conditions:
Dilated cardiomyopathy 1G (CMD1G). Identifiers: Orphanet 154, MedGen C1858763, MONDO:0011400, OMIM 604145.
Autosomal recessive limb-girdle muscular dystrophy type 2J (LGMDR10). Also called: Limb-girdle muscular dystrophy, type 2J; MUSCULAR DYSTROPHY, LIMB-GIRDLE, AUTOSOMAL RECESSIVE 10. Identifiers: Orphanet 140922, MedGen C1837342, MONDO:0012127, OMIM 608807.

Submission:

Labcorp Genetics (formerly Invitae), Labcorp
Classification: Uncertain significance for Dilated cardiomyopathy 1G; Autosomal recessive limb-girdle muscular dystrophy type 2J. Last evaluated: 2024-01-27. Review status: criteria provided, single submitter. Criteria: Invitae Variant Classification Sherloc (09022015). Collection method: clinical testing. Allele origin: germline.
Comment: This sequence change replaces glutamic acid, which is acidic and polar, with glutamine, which is neutral and polar, at codon 19782 of the TTN protein (p.Glu19782Gln). This variant also falls at the last nucleotide of exon 300, which is part of the consensus splice site for this exon. This variant is not present in population databases (gnomAD no frequency). This variant has not been reported in the literature in individuals affected with TTN-related conditions. Experimental studies and prediction algorithms are not available or were not evaluated, and the functional significance of this variant is currently unknown. Variants that disrupt the consensus splice site are a relatively common cause of aberrant splicing (PMID: 17576681, 9536098). This variant is located in the A band of TTN (PMID: 25589632). Variants in this region may be relevant for cardiac or neuromuscular disorders (PMID: 25589632, 23975875). In summary, the available evidence is currently insufficient to determine the role of this variant in disease. Therefore, it has been classified as a Variant of Uncertain Significance.

Literature cited by the submitters: PubMed 17576681; PubMed 9536098; PubMed 25589632; PubMed 23975875.